The following is an entry in ClinVar:

NM_000277.3(PAH):c.1262T>C (p.Ile421Thr)

Gene: PAH (phenylalanine hydroxylase; minus strand). Cytogenetic location: 12q23.2.
Variant type: single nucleotide variant.
Coding change: c.1262T>C on transcript NM_000277.3 (MANE Select); coding-DNA position 1262, T replaced by C.
Protein change: p.Ile421Thr; replaces isoleucine 421 with threonine.
Molecular consequence: missense variant.
Genome position (GRCh38, 1-based): chr12:102,840,453, A>G on the plus strand (T>C on the coding strand, the complement: PAH is on the minus strand). VCF-style: chr12-102840453-A-G. GRCh37 (hg19) VCF-style: chr12-103234231-A-G.
Other names: c.1262T>C, p.Ile421Thr (NM_001354304.2); c.1262T>C (NM_000277.2); short protein forms I421T.
Identifiers: ClinVar variation 102582 (VCV000102582.13), dbSNP rs199475696, ClinGen allele CA229420.
Genomic context (GRCh38, chr12:102,840,453, plus strand): 5'-TACTTACTGTTAATGGAATCAGCCAAAATCTTAAGCTGCTGGGTATTGTCCAAGACCTCA[A>G]TCCTTTGGGTGTATGGGTCGTAGCGAACTGAGAAGGGCCGAGGTATTGTGGCAGCAAAGT-3'
Protein context (NP_000268.1, residues 411-431): SVRYDPYTQR[Ile421Thr]EVLDNTQQLK

ClinVar aggregate classification (germline): Likely pathogenic. Review status: reviewed by expert panel (3 of 4 stars). 6 submissions from 6 submitters: Likely pathogenic (1). 5 of the submissions do not count toward it. Last evaluated 2021-05-29.

Conditions:
Phenylketonuria (PKU). Also called: Phenylketonuria (PKU); FOLLING DISEASE; OLIGOPHRENIA PHENYLPYRUVICA; Phenylketonurias. Identifiers: Orphanet 716, MedGen C0031485, MONDO:0009861, OMIM 261600. Disease mechanism: loss of function.

Allele frequency attached by ClinVar (database versions not stated): gnomAD exomes below 0.00001 and 0.00001; TOPMed below 0.00001; ExAC 0.00001.
gnomAD v4.1: 10 of 1,614,090 alleles (0.00062%); highest among the groups gnomAD compares: Non-Finnish European, 0.00076%; no homozygotes.

Submissions (6):

ClinGen PAH Variant Curation Expert Panel
Classification: Likely pathogenic for Phenylketonuria. Last evaluated: 2021-05-29. Review status: reviewed by expert panel. Criteria: ClinGen PAH ACMG Specifications v1. Collection method: curation. Allele origin: germline. Inheritance: Autosomal recessive inheritance.
Comment: The c.1262T>C (p.Ile421Thr) variant in PAH has been reported in multiple individuals with mild and classic PKU (BH4 deficiency excluded) (PMID: 26503515, PMID: 27121329, PMID: 23514811). This variant has low frequency (MAF=0.00001) in gnomAD. This variant was detected with pathogenic variants: R241H (PMID: 27121329); p.Arg408Gln (PMID: 25456745); IVS5-1Gï¼žA, p.Val399= (PMID: 29316886); Ex9_11del (LP PAH VCEP) PMID: 31623983. Computational evidence supports a deleterious effect. In summary, this variant meets criteria to be classified as likely pathogenic for PAH. PAH-specific ACMG/AMP criteria applied: PP4_Moderate, PM2, PM3_vstrong, PP3.

GeneDx
Classification: Pathogenic. Last evaluated: 2026-10-08. Review status: criteria provided, single submitter. Criteria: GeneDx Variant Classification Process June 2021. Collection method: clinical testing. Allele origin: germline. Not counted in ClinVar's aggregate classification.
Comment: Not observed at significant frequency in large population cohorts (gnomAD); In silico analysis supports that this missense variant has a deleterious effect on protein structure/function; This variant is associated with the following publications: (PMID: 30747360, 32668217, 35887629, 27166760, 31623983, 17502162, 22333022, 31355225, 33465300, 26503515, 35281663, 23514811, 34405919, 25456745, 27121329, 28982351, 29316886, 29499199, 40727585)

Labcorp Genetics (formerly Invitae), Labcorp
Classification: Pathogenic for Phenylketonuria. Last evaluated: 2025-11-07. Review status: criteria provided, single submitter. Criteria: Invitae Variant Classification Sherloc (09022015). Collection method: clinical testing. Allele origin: germline. Not counted in ClinVar's aggregate classification.
Comment: This sequence change replaces isoleucine, which is neutral and non-polar, with threonine, which is neutral and polar, at codon 421 of the PAH protein (p.Ile421Thr). This variant is present in population databases (rs199475696, gnomAD 0.0009%). This missense change has been observed in individual(s) with phenylketonuria (PMID: 27121329, 30050108, 31355225). ClinVar contains an entry for this variant (Variation ID: 102582). Invitae Evidence Modeling of protein sequence and biophysical properties (such as structural, functional, and spatial information, amino acid conservation, physicochemical variation, residue mobility, and thermodynamic stability) indicates that this missense variant is not expected to disrupt PAH protein function with a negative predictive value of 80%. For these reasons, this variant has been classified as Pathogenic.

Natera, Inc.
Classification: Likely pathogenic for Phenylketonuria. Last evaluated: 2025-08-04. Review status: criteria provided, single submitter. Criteria: Natera Variant Classification Schema (03/2026). Collection method: clinical testing. Allele origin: germline. Not counted in ClinVar's aggregate classification.
Comment: The c.1262T>C variant in PAH is a missense variant predicted to cause substitution of isoleucine to threonine at amino acid 421. This variant is rare in the general population with a frequency below the threshold expected for the associated phenotype(s). This variant has been observed in one or more individuals affected with the associated recessive disease, as either homozygous or compound heterozygous with a second variant (PMID: 25456745). This variant has been identified in one or more affected individuals with a phenotype highly consistent with the associated gene (PMID: 25456745). Computational prediction algorithms indicate this variant is likely to affect gene or protein function. Given the available evidence, this variant is classified as Likely Pathogenic.

Juno Genomics, Hangzhou Juno Genomics, Inc
Classification: Pathogenic for Phenylketonuria. Review status: criteria provided, single submitter. Criteria: ACMG Guidelines, 2015. Collection method: clinical testing. Allele origin: germline. Affected: yes. Not counted in ClinVar's aggregate classification.
Comment: Absent from controls (or at extremely low frequency if recessive) in Genome Aggregation Database.;Multiple lines of computational evidence support a deleterious effect on the gene or gene product.;For recessive disorders, detected in trans with a pathogenic variant.

DeBelle Laboratory for Biochemical Genetics, MUHC/MCH RESEARCH INSTITUTE
No classification provided. Review status: no classification provided. Collection method: not provided. Allele origin: not provided. Not counted in ClinVar's aggregate classification.

Literature cited by the submitters: PubMed 27121329 (cited by ClinGen PAH Variant Curation Expert Panel and Labcorp Genetics (formerly Invitae), Labcorp); PubMed 23514811 (cited by ClinGen PAH Variant Curation Expert Panel); PubMed 26503515 (cited by ClinGen PAH Variant Curation Expert Panel); PubMed 30050108 (cited by Labcorp Genetics (formerly Invitae), Labcorp); PubMed 31355225 (cited by Labcorp Genetics (formerly Invitae), Labcorp); PubMed 25456745 (cited by Natera, Inc.).